The following is an entry in ClinVar:

NM_002470.4(MYH3):c.4082C>T (p.Ala1361Val)

Gene: MYH3 (myosin heavy chain 3; minus strand). Cytogenetic location: 17p13.1.
Variant type: single nucleotide variant.
Coding change: c.4082C>T on transcript NM_002470.4 (MANE Select); coding-DNA position 4082, C replaced by T.
Protein change: p.Ala1361Val; replaces alanine 1361 with valine.
Molecular consequence: missense variant.
Genome position (GRCh38, 1-based): chr17:10,635,457, G>A on the plus strand (C>T on the coding strand, the complement: MYH3 is on the minus strand). VCF-style: chr17-10635457-G-A. GRCh37 (hg19) VCF-style: chr17-10538774-G-A.
Other names: short protein forms A1361V.
Identifiers: ClinVar variation 321729 (VCV000321729.20), dbSNP rs140218185, ClinGen allele CA8392312.
Genomic context (GRCh38, chr17:10,635,457, plus strand): 5'-ATGGCGTCCGTCTCGTATTTGGTTCTCCACTGGGCAACCTCACTATTGGCCTTGGACAGC[G>A]CCCTCTGCAGCTCAGCTTTGCCTTCCTGCTCCTCCTCATACTGTTCCCGCAGCAGGTCAC-3'
Protein context (NP_002461.2, residues 1351-1371): EQEGKAELQR[Ala1361Val]LSKANSEVAQ

ClinVar aggregate classification (germline): Conflicting classifications of pathogenicity. Review status: criteria provided, conflicting classifications (1 of 4 stars). 6 submissions from 5 submitters: Uncertain significance (1); Benign (2); Likely benign (2). 1 of the submissions does not count toward it. Last evaluated 2026-01-12.

Conditions:
MYH3-related disorder. Also called: MYH3-Related Disorders; MYH3-related condition. Identifiers: MedGen CN239329.
Distal arthrogryposis type 2B1 (DA2B1). Also called: Arthrogryposis multiplex congenita distal type II with craniofacial abnormalities. Identifiers: Orphanet 1147, MedGen C5193014, MONDO:0020820, OMIM 601680.
Freeman-Sheldon syndrome (DA2A). Also called: CRANIOCARPOTARSAL DYSPLASIA; CRANIOCARPOTARSAL DYSTROPHY; WHISTLING FACE-WINDMILL VANE HAND SYNDROME; Arthrogryposis, distal, type 2A (Freeman-Sheldon). Identifiers: Orphanet 2053, MedGen C0265224, MONDO:0008675, OMIM 193700.

Allele frequency attached by ClinVar (database versions not stated): 1000 Genomes Project 30x 0.00016; 1000 Genomes Project 0.00020; TOPMed 0.00087; gnomAD 0.00092 and 0.00096; gnomAD exomes 0.00094 and 0.00161; ExAC 0.00100; ESP Exome Variant Server 0.00108.
gnomAD v4.1: 2,451 of 1,614,110 alleles (0.15%); highest among the groups gnomAD compares: Non-Finnish European, 0.2%; 4 homozygotes.

Submissions (6):

Labcorp Genetics (formerly Invitae), Labcorp
Classification: Benign. Last evaluated: 2026-01-12. Review status: criteria provided, single submitter. Criteria: Invitae Variant Classification Sherloc (09022015). Collection method: clinical testing. Allele origin: germline.

Blueprint Genetics
Classification: Likely benign. Last evaluated: 2024-11-14. Review status: criteria provided, single submitter. Criteria: ACMG Guidelines, 2015. Collection method: clinical testing. Allele origin: germline.

GeneDx
Classification: Uncertain significance. Last evaluated: 2023-05-26. Review status: criteria provided, single submitter. Criteria: GeneDx Variant Classification Process June 2021. Collection method: clinical testing. Allele origin: germline. Affected: yes.
Comment: In silico analysis supports that this missense variant does not alter protein structure/function; Has not been previously published as pathogenic or benign to our knowledge

Illumina Laboratory Services, Illumina
Classification: Benign for Freeman-Sheldon syndrome. Last evaluated: 2018-01-12. Review status: criteria provided, single submitter. Criteria: ICSL Variant Classification Criteria 13 December 2019. Collection method: clinical testing. Allele origin: germline.
Comment: This variant was observed in the ICSL laboratory as part of a predisposition screen in an ostensibly healthy population. It had not been previously curated by ICSL or reported in the Human Gene Mutation Database (HGMD: prior to June 1st, 2018), and was therefore a candidate for classification through an automated scoring system. Utilizing variant allele frequency, disease prevalence and penetrance estimates, and inheritance mode, an automated score was calculated to assess if this variant is too frequent to cause the disease. Based on the score and internal cut-off values, a variant classified as benign is not then subjected to further curation. The score for this variant resulted in a classification of benign for this disease.

Illumina Laboratory Services, Illumina
Classification: Likely benign for Distal arthrogryposis type 2B1. Last evaluated: 2018-01-12. Review status: criteria provided, single submitter. Criteria: ICSL Variant Classification Criteria 13 December 2019. Collection method: clinical testing. Allele origin: germline.
Comment: This variant was observed in the ICSL laboratory as part of a predisposition screen in an ostensibly healthy population. It had not been previously curated by ICSL or reported in the Human Gene Mutation Database (HGMD: prior to June 1st, 2018), and was therefore a candidate for classification through an automated scoring system. Utilizing variant allele frequency, disease prevalence and penetrance estimates, and inheritance mode, an automated score was calculated to assess if this variant is too frequent to cause the disease. Based on the score and internal cut-off values, a variant classified as likely benign is not then subjected to further curation. The score for this variant resulted in a classification of likely benign for this disease.

PreventionGenetics, part of Exact Sciences
Classification: Likely benign for MYH3-related condition. Last evaluated: 2023-05-22. Review status: no assertion criteria provided. Collection method: clinical testing. Allele origin: germline. Not counted in ClinVar's aggregate classification.
Comment: This variant is classified as likely benign based on ACMG/AMP sequence variant interpretation guidelines (Richards et al. 2015 PMID: 25741868, with internal and published modifications).